The following is an entry in ClinVar:

NM_198253.3(TERT):c.3221G>A (p.Cys1074Tyr)

Gene: TERT (telomerase reverse transcriptase; minus strand). Cytogenetic location: 5p15.33.
Variant type: single nucleotide variant.
Coding change: c.3221G>A on transcript NM_198253.3 (MANE Select); coding-DNA position 3221, G replaced by A.
Protein change: p.Cys1074Tyr; replaces cysteine 1074 with tyrosine.
Molecular consequence: missense variant. On other transcripts: non-coding transcript variant (2).
Genome position (GRCh38, 1-based): chr5:1,254,442, C>T on the plus strand (G>A on the coding strand, the complement: TERT is on the minus strand). VCF-style: chr5-1254442-C-T. GRCh37 (hg19) VCF-style: chr5-1254557-C-T.
Other names: c.3032G>A, p.Cys1011Tyr (NM_001193376.3); short protein forms C1011Y, C1074Y.
Identifiers: ClinVar variation 4795630 (VCV004795630.1).

ClinVar aggregate classification (germline): Uncertain significance (1 of 4 stars; one submission).

Submission:

GeneDx
Classification: Uncertain significance. Last evaluated: 2025-08-14. Review status: criteria provided, single submitter. Criteria: GeneDx Variant Classification Process June 2021. Collection method: clinical testing. Allele origin: germline. Affected: yes.
Comment: Not observed at significant frequency in large population cohorts (gnomAD); In silico analysis supports that this missense variant has a deleterious effect on protein structure/function; Has not been previously published as pathogenic or benign to our knowledge